The following is an entry in ClinVar:

NM_145068.4(TRPV3):c.*2094G>A

Genes: SPATA22 (spermatogenesis associated 22; minus strand), TRPV3 (transient receptor potential cation channel subfamily V member 3; minus strand). Cytogenetic location: 17p13.2.
Variant type: single nucleotide variant.
Coding change: c.*2094G>A on transcript NM_145068.4 (MANE Select); 2094 bases downstream of the stop codon, G replaced by A.
Molecular consequence: 3 prime UTR variant. On other transcripts: intron variant (2).
Genome position (GRCh38, 1-based): chr17:3,511,823, C>T on the plus strand (G>A on the coding strand, the complement: TRPV3 is on the minus strand). VCF-style: chr17-3511823-C-T. GRCh37 (hg19) VCF-style: chr17-3415117-C-T.
Other names: c.*2094G>A (NM_001258205.2); c.-74+1589G>A (NM_001321336.2, NM_001321337.2).
Identifiers: ClinVar variation 322700 (VCV000322700.7), dbSNP rs59731070, ClinGen allele CA10645343.

ClinVar aggregate classification (germline): Benign (1 of 4 stars; one submission).

Conditions:
Isolated focal non-epidermolytic palmoplantar keratoderma. Also called: Palmoplantar keratoderma, nonepidermolytic, focal 2. Identifiers: Orphanet 448264, MedGen C4225339, MONDO:0014622, OMIM 616400.

Allele frequency attached by ClinVar (database versions not stated): gnomAD 0.00096 and 0.00147; 1000 Genomes Project 30x 0.00718; TOPMed 0.00137; 1000 Genomes Project 0.00799.

Submission:

Illumina Laboratory Services, Illumina
Classification: Benign for Isolated focal non-epidermolytic palmoplantar keratoderma. Last evaluated: 2018-01-12. Review status: criteria provided, single submitter. Criteria: ICSL Variant Classification Criteria 13 December 2019. Collection method: clinical testing. Allele origin: germline.
Comment: This variant was observed in the ICSL laboratory as part of a predisposition screen in an ostensibly healthy population. It had not been previously curated by ICSL or reported in the Human Gene Mutation Database (HGMD: prior to June 1st, 2018), and was therefore a candidate for classification through an automated scoring system. Utilizing variant allele frequency, disease prevalence and penetrance estimates, and inheritance mode, an automated score was calculated to assess if this variant is too frequent to cause the disease. Based on the score and internal cut-off values, a variant classified as benign is not then subjected to further curation. The score for this variant resulted in a classification of benign for this disease.